The following is an entry in ClinVar:

NM_006563.5(KLF1):c.649C>T (p.Gln217Ter)

Gene: KLF1 (KLF transcription factor 1; minus strand). Cytogenetic location: 19p13.13.
Variant type: single nucleotide variant.
Coding change: c.649C>T on transcript NM_006563.5 (MANE Select); coding-DNA position 649, C replaced by T.
Protein change: p.Gln217Ter; replaces glutamine 217 with a stop codon.
Molecular consequence: nonsense.
Genome position (GRCh38, 1-based): chr19:12,885,581, G>A on the plus strand (C>T on the coding strand, the complement: KLF1 is on the minus strand). VCF-style: chr19-12885581-G-A. GRCh37 (hg19) VCF-style: chr19-12996395-G-A.
Other names: p.Gln217*; c.649C>T (NM_006563.4); short protein forms Q217*.
Identifiers: ClinVar variation 1693737 (VCV001693737.6), dbSNP rs2145927881, ClinGen allele CA404308286.

ClinVar aggregate classification (germline): Conflicting classifications of pathogenicity. Review status: criteria provided, conflicting classifications (1 of 4 stars). 4 submissions from 4 submitters: Pathogenic (1); Likely pathogenic (2); Uncertain significance (1). Last evaluated 2026-07-14.

Conditions:
Anemia, congenital dyserythropoietic, type IVa. Also called: Congenital dyserythropoietic anemia type 4; Congenital dyserythropoietic anemia, type IV; CDA, TYPE IVa. Identifiers: Orphanet 293825, MedGen C3150926, MONDO:0013355, OMIM 613673.
Anemia, congenital dyserythropoietic, type IVb. Also called: CDA, TYPE IVb; ANEMIA, CONGENITAL, WITH HEREDITARY PERSISTENCE OF FETAL AND EMBRYONIC HEMOGLOBIN. Identifiers: MedGen C5975438, MONDO:0975829, OMIM 620969.
KLF1-related disorder. Also called: KLF1-related condition; KLF1-Related Disorders.

gnomAD v4.1: 1 of 1,560,236 alleles (0.000064%); no homozygotes.

Submissions (4):

PreventionGenetics, part of Exact Sciences
Classification: Likely pathogenic for KLF1-related condition. Last evaluated: 2026-07-14. Review status: criteria provided, single submitter. Criteria: ACMG Guidelines, 2015. Collection method: clinical testing. Allele origin: germline.
Comment: The KLF1 c.649C>T variant is predicted to result in premature protein termination (p.Gln217*). This variant was reported in heterozygous and compound heterozygous state in individuals with increased fetal hemoglobin (Tepakhan et al. 2016. PubMed ID: 27282573). This variant has not been reported in a large population database (gnomAD), indicating this variant is rare. Nonsense variants in KLF1 are expected to be pathogenic. This variant is interpreted as likely pathogenic.

Variantyx, Inc.
Classification: Pathogenic for Anemia, congenital dyserythropoietic, type IVb. Last evaluated: 2025-06-25. Review status: criteria provided, single submitter. Criteria: Variantyx Assertion Criteria 2022. Collection method: clinical testing. Allele origin: germline. Inheritance: Autosomal recessive inheritance. Affected: yes.
Comment: This is a nonsense variant in the KLF1 gene (OMIM: 600599). Pathogenic variants in this gene have been associated with autosomal recessive congenital dyserythropoietic anemia type IVb. This variant introduces a premature termination codon in exon 2 out of 3 and is expected to result in loss of function, which is a known disease mechanism for KLF1 in this disorder (PMID: 24443441, 25724378) (PVS1). Based on the current evidence, this variant is classified as pathogenic for autosomal recessive congenital dyserythropoietic anemia type IVb.

Genetics and Molecular Pathology, SA Pathology
Classification: Likely pathogenic for Anemia, congenital dyserythropoietic, type IVa. Last evaluated: 2023-07-05. Review status: criteria provided, single submitter. Criteria: ACMG Guidelines, 2015. Collection method: clinical testing. Allele origin: germline. Inheritance: Autosomal dominant inheritance. Affected: yes.
Comment: The KLF1 c.649C>T variant is classified as Likely Pathogenic (PVS1, PM2) The KLF1 c.649C>T variant is a single nucleotide change which is predicted to result in premature termination of the protein product at codon 217 (PVS1). This variant is absent from population databases (PM2). The variant has been reported in the HGMD database: CM1621283 and has been reported as Uncertain significance by other diagnostic laboratories (ClinVar Variation ID: 1693737). It has not been reported in dbSNP.

Mayo Clinic Laboratories, Mayo Clinic
Classification: Uncertain significance. Last evaluated: 2021-10-19. Review status: criteria provided, single submitter. Criteria: ACMG Guidelines, 2015. Collection method: clinical testing. Allele origin: germline.

Literature cited by the submitters: PubMed 24443441 (cited by Variantyx, Inc.); PubMed 25724378 (cited by Variantyx, Inc.).